The following is an entry in ClinVar:

ClinVar aggregate classification (germline): Likely benign. Review status: criteria provided, multiple submitters, no conflicts (2 of 4 stars). 5 submissions from 5 submitters: Likely benign (5). Last evaluated 2025-12-15.

Conditions:
Familial thoracic aortic aneurysm and aortic dissection (TAAD). Also called: Thoracic aortic aneurysms and dissections. Identifiers: Orphanet 91387, MedGen C4707243, MONDO:0019625.
Ehlers-Danlos syndrome, type 4 (EDSVASC). Also called: Ehlers-Danlos Syndrome Type IV; Ehlers-Danlos syndrome vascular type; Ehlers Danlos syndrome, ecchymotic type; Ehlers Danlos syndrome, arterial type; Ehlers Danlos syndrome, Sack-Barabas type. Identifiers: Orphanet 286, MedGen C0268338, MONDO:0017314, OMIM 130050.

Allele frequency attached by ClinVar (database versions not stated): gnomAD 0.00001; gnomAD exomes 0.00001; TOPMed 0.00003.
gnomAD v4.1: 6 of 1,613,934 alleles (0.00037%); highest among the groups gnomAD compares: Admixed American, 0.0083%; no homozygotes.

Submissions (5):

Women's Health and Genetics/Laboratory Corporation of America, LabCorp
Classification: Likely benign. Last evaluated: 2025-12-15. Review status: criteria provided, single submitter. Criteria: LabCorp Variant Classification Summary - May 2015. Collection method: clinical testing. Allele origin: germline.
Comment: Variant summary: COL3A1 c.1197T>C (p.Gly399Gly) alters a conserved nucleotide located close to a canonical splice site and therefore could affect mRNA splicing, leading to a significantly altered protein sequence. Consensus agreement among computation tools predict no significant impact on normal splicing. However, these predictions have yet to be confirmed by functional studies. The variant allele was found at a frequency of 8e-06 in 251204 control chromosomes. The available data on variant occurrences in the general population are insufficient to allow any conclusion about variant significance. To our knowledge, no occurrence of c.1197T>C in individuals affected with COL3A1-related conditions and no experimental evidence demonstrating its impact on protein function have been reported. ClinVar contains an entry for this variant (Variation ID: 924735). Based on the evidence outlined above, the variant was classified as likely benign.

Labcorp Genetics (formerly Invitae), Labcorp
Classification: Likely benign for Ehlers-Danlos syndrome, type 4. Last evaluated: 2025-11-21. Review status: criteria provided, single submitter. Criteria: Invitae Variant Classification Sherloc (09022015). Collection method: clinical testing. Allele origin: germline.

All of Us Research Program, National Institutes of Health
Classification: Likely benign for Ehlers-Danlos syndrome, type 4. Last evaluated: 2023-10-02. Review status: criteria provided, single submitter. Criteria: ACMG Guidelines, 2015. Collection method: clinical testing. Allele origin: germline. Inheritance: Autosomal dominant inheritance. Observed: 3 variant alleles, 3 heterozygotes.
Comment: This study involves interpretation of variants in research participants for the purpose of population health screening. Participant phenotype was not available at the time of variant classification. Additional details can be found in publication PMID: 35346344, PMCID: PMC8962531

Ambry Genetics
Classification: Likely benign for Familial thoracic aortic aneurysm and aortic dissection. Last evaluated: 2022-09-19. Review status: criteria provided, single submitter. Criteria: Ambry Variant Classification Scheme 2023. Collection method: clinical testing. Allele origin: germline.

Color Diagnostics, LLC DBA Color Health
Classification: Likely benign for Familial thoracic aortic aneurysm and aortic dissection. Last evaluated: 2019-06-19. Review status: criteria provided, single submitter. Criteria: ACMG Guidelines, 2015. Collection method: clinical testing. Allele origin: germline.

NM_000090.4(COL3A1):c.1197T>C (p.Gly399=)

Gene: COL3A1 (collagen type III alpha 1 chain; plus strand). Cytogenetic location: 2q32.2.
Variant type: single nucleotide variant.
Coding change: c.1197T>C on transcript NM_000090.4 (MANE Select); coding-DNA position 1197, T replaced by C.
Protein change: p.Gly399=; no amino-acid change (glycine 399 retained).
Molecular consequence: synonymous variant.
Genome position (GRCh38, 1-based): chr2:188,994,236, T>C. VCF-style: chr2-188994236-T-C. GRCh37 (hg19) VCF-style: chr2-189858962-T-C.
Identifiers: ClinVar variation 924735 (VCV000924735.15), dbSNP rs892020201, ClinGen allele CA62595215.